The following is an entry in ClinVar:

NM_006904.7(PRKDC):c.1828G>A (p.Ala610Thr)

Gene: PRKDC (protein kinase, DNA-activated, catalytic subunit; minus strand). Cytogenetic location: 8q11.21.
Variant type: single nucleotide variant.
Coding change: c.1828G>A on transcript NM_006904.7 (MANE Select); coding-DNA position 1828, G replaced by A.
Protein change: p.Ala610Thr; replaces alanine 610 with threonine.
Molecular consequence: missense variant.
Genome position (GRCh38, 1-based): chr8:47,930,736, C>T on the plus strand (G>A on the coding strand, the complement: PRKDC is on the minus strand). VCF-style: chr8-47930736-C-T. GRCh37 (hg19) VCF-style: chr8-48843296-C-T.
Other names: c.1828G>A, p.Ala610Thr (NM_001081640.2); short protein forms A610T.
Identifiers: ClinVar variation 3425262 (VCV003425262.1).

ClinVar aggregate classification (germline): Uncertain significance (1 of 4 stars; one submission).

gnomAD v4.1: 2 of 1,591,822 alleles (0.00013%); highest among the groups gnomAD compares: Non-Finnish European, 0.00017%; no homozygotes.

Submission:

Ambry Genetics
Classification: Uncertain significance. Last evaluated: 2024-06-30. Review status: criteria provided, single submitter. Criteria: Ambry Variant Classification Scheme 2023. Collection method: clinical testing. Allele origin: germline.
Comment: The p.A610T variant (also known as c.1828G>A), located in coding exon 17 of the PRKDC gene, results from a G to A substitution at nucleotide position 1828. The alanine at codon 610 is replaced by threonine, an amino acid with similar properties. This amino acid position is conserved. In addition, this alteration is predicted to be tolerated by in silico analysis. Based on the available evidence, the clinical significance of this variant remains unclear.